The following is an entry in ClinVar:

ClinVar aggregate classification (germline): Uncertain significance (1 of 4 stars; one submission).

gnomAD v4.1: 1 of 1,588,354 alleles (0.000063%); highest among the groups gnomAD compares: Non-Finnish European, 0.000086%; no homozygotes.

Submission:

Labcorp Genetics (formerly Invitae), Labcorp
Classification: Uncertain significance. Last evaluated: 2025-05-13. Review status: criteria provided, single submitter. Criteria: Invitae Variant Classification Sherloc (09022015). Collection method: clinical testing. Allele origin: germline.
Comment: This sequence change replaces valine, which is neutral and non-polar, with isoleucine, which is neutral and non-polar, at codon 220 of the KIF23 protein (p.Val220Ile). This variant is not present in population databases (gnomAD no frequency). This variant has not been reported in the literature in individuals affected with KIF23-related conditions. Invitae Evidence Modeling of protein sequence and biophysical properties (such as structural, functional, and spatial information, amino acid conservation, physicochemical variation, residue mobility, and thermodynamic stability) indicates that this missense variant is not expected to disrupt KIF23 protein function with a negative predictive value of 80%. In summary, the available evidence is currently insufficient to determine the role of this variant in disease. Therefore, it has been classified as a Variant of Uncertain Significance.

NM_001367805.3(KIF23):c.658G>A (p.Val220Ile)

Gene: KIF23 (kinesin family member 23; plus strand). Cytogenetic location: 15q23.
Variant type: single nucleotide variant.
Coding change: c.658G>A on transcript NM_001367805.3 (MANE Select); coding-DNA position 658, G replaced by A.
Protein change: p.Val220Ile; replaces valine 220 with isoleucine.
Molecular consequence: missense variant. On other transcripts: non-coding transcript variant (2).
Genome position (GRCh38, 1-based): chr15:69,423,253, G>A. VCF-style: chr15-69423253-G-A. GRCh37 (hg19) VCF-style: chr15-69715592-G-A.
Other names: c.328G>A, p.Val110Ile (NM_001281301.2); c.658G>A, p.Val220Ile (NM_001367804.2, NM_004856.7, NM_138555.4); short protein forms V110I, V220I.
Identifiers: ClinVar variation 4735944 (VCV004735944.1).